The following is an entry in ClinVar:

NM_001042492.3(NF1):c.7095_7096dup (p.Pro2366fs)

Gene: NF1 (neurofibromin 1; plus strand). Cytogenetic location: 17q11.2.
Variant type: Duplication.
Coding change: c.7095_7096dup on transcript NM_001042492.3 (MANE Select); coding-DNA positions 7095 to 7096, 2 bases duplicated (TC; older notation c.7095_7096dupTC).
Protein change: p.Pro2366fs; shifts the reading frame from proline 2366.
Molecular consequence: frameshift variant.
Genome position (GRCh38, 1-based): chr17:31,343,041-31,343,042, TC duplicated. VCF-style (leftmost placement, unchanged base first): chr17-31343040-A-ATC. GRCh37 (hg19) VCF-style: chr17-29670058-A-ATC.
Other names: c.7032_7033dup, p.Pro2345Leufs (NM_000267.4); short protein forms P2345fs, P2366fs.
Identifiers: ClinVar variation 2859375 (VCV002859375.3), dbSNP rs2508779612, ClinGen allele CA2739265557.

ClinVar aggregate classification (germline): Pathogenic (1 of 4 stars; one submission).

Conditions:
Neurofibromatosis, type 1 (NF1). Also called: Neurofibromatosis, type I; NEUROFIBROMATOSIS, TYPE I, SOMATIC; Peripheral type neurofibromatosis; VON RECKLINGHAUSEN DISEASE. Identifiers: Orphanet 636, MedGen C0027831, MONDO:0018975, OMIM 162200. Disease mechanism: loss of function.

Submission:

Labcorp Genetics (formerly Invitae), Labcorp
Classification: Pathogenic for Neurofibromatosis, type 1. Last evaluated: 2023-04-26. Review status: criteria provided, single submitter. Criteria: Invitae Variant Classification Sherloc (09022015). Collection method: clinical testing. Allele origin: germline.
Comment: This variant is not present in population databases (gnomAD no frequency). This sequence change creates a premature translational stop signal (p.Pro2345Leufs*31) in the NF1 gene. It is expected to result in an absent or disrupted protein product. Loss-of-function variants in NF1 are known to be pathogenic (PMID: 10712197, 23913538). This variant has not been reported in the literature in individuals affected with NF1-related conditions. For these reasons, this variant has been classified as Pathogenic.

Literature cited by the submitters: PubMed 10712197; PubMed 23913538.